The following is an entry in ClinVar:

NM_001080414.4(CCDC88C):c.1062A>G (p.Glu354=)

Gene: CCDC88C (coiled-coil and HOOK domain protein 88C; minus strand). Cytogenetic location: 14q32.11.
Variant type: single nucleotide variant.
Coding change: c.1062A>G on transcript NM_001080414.4 (MANE Select); coding-DNA position 1062, A replaced by G.
Protein change: p.Glu354=; no amino-acid change (glutamic acid 354 retained).
Molecular consequence: synonymous variant.
Genome position (GRCh38, 1-based): chr14:91,326,045, T>C on the plus strand (A>G on the coding strand, the complement: CCDC88C is on the minus strand). VCF-style: chr14-91326045-T-C. GRCh37 (hg19) VCF-style: chr14-91792389-T-C.
Other names: c.1062A>G (NM_001080414.3).
Identifiers: ClinVar variation 2896700 (VCV002896700.6), dbSNP rs374390587, ClinGen allele CA7309998.

ClinVar aggregate classification (germline): Benign/Likely benign. Review status: criteria provided, multiple submitters, no conflicts (2 of 4 stars). 3 submissions from 3 submitters: Benign (1); Likely benign (1). 1 of the submissions does not count toward it. Last evaluated 2026-01-13.

Conditions:
CCDC88C-related disorder. Also called: CCDC88C-related condition; CCDC88C-Related Disorders.

Allele frequency attached by ClinVar (database versions not stated): gnomAD exomes 0.00003; ExAC 0.00025; gnomAD 0.00054; ESP Exome Variant Server 0.00091.
gnomAD v4.1: 132 of 1,609,228 alleles (0.0082%); highest among the groups gnomAD compares: African/African-American, 0.17%; 1 homozygote.

Submissions (3):

Labcorp Genetics (formerly Invitae), Labcorp
Classification: Benign. Last evaluated: 2026-01-13. Review status: criteria provided, single submitter. Criteria: Invitae Variant Classification Sherloc (09022015). Collection method: clinical testing. Allele origin: germline.

Blueprint Genetics
Classification: Likely benign. Last evaluated: 2023-10-06. Review status: criteria provided, single submitter. Criteria: ACMG Guidelines, 2015. Collection method: clinical testing. Allele origin: germline.

PreventionGenetics, part of Exact Sciences
Classification: Likely benign for CCDC88C-related condition. Last evaluated: 2021-10-04. Review status: no assertion criteria provided. Collection method: clinical testing. Allele origin: germline. Not counted in ClinVar's aggregate classification.
Comment: This variant is classified as likely benign based on ACMG/AMP sequence variant interpretation guidelines (Richards et al. 2015 PMID: 25741868, with internal and published modifications).